The following is an entry in ClinVar:

NM_001010874.5(TECRL):c.55C>T (p.Gln19Ter)

Gene: TECRL (trans-2,3-enoyl-CoA reductase like; minus strand). Cytogenetic location: 4q13.1.
Variant type: single nucleotide variant.
Coding change: c.55C>T on transcript NM_001010874.5 (MANE Select); coding-DNA position 55, C replaced by T.
Protein change: p.Gln19Ter; replaces glutamine 19 with a stop codon.
Molecular consequence: nonsense.
Genome position (GRCh38, 1-based): chr4:64,409,297, G>A on the plus strand (C>T on the coding strand, the complement: TECRL is on the minus strand). VCF-style: chr4-64409297-G-A. GRCh37 (hg19) VCF-style: chr4-65275015-G-A.
Other names: c.55C>T, p.Gln19Ter (NM_001363796.1); short protein forms Q19*.
Identifiers: ClinVar variation 1804999 (VCV001804999.1), dbSNP rs778546497, ClinGen allele CA2935707.

ClinVar aggregate classification (germline): Uncertain significance (1 of 4 stars; one submission).

Conditions:
Catecholaminergic polymorphic ventricular tachycardia 3. Identifiers: Orphanet 3286, MedGen C3151463, MONDO:0013529, OMIM 614021.

Allele frequency attached by ClinVar (database versions not stated): gnomAD 0.00001.
gnomAD v4.1: 14 of 1,613,278 alleles (0.00087%); highest among the groups gnomAD compares: South Asian, 0.015%; no homozygotes.

Submission:

Victorian Clinical Genetics Services, Murdoch Childrens Research Institute
Classification: Uncertain significance for Catecholaminergic polymorphic ventricular tachycardia 3. Last evaluated: 2021-05-06. Review status: criteria provided, single submitter. Criteria: ACMG Guidelines, 2015. Collection method: clinical testing. Allele origin: germline. Inheritance: Autosomal recessive inheritance. Affected: yes.
Comment: Based on the classification scheme VCGS_Germline_v1.3.4, this variant is classified as VUS-3B. Following criteria are met: 0102 - Loss of function is a mechanism of disease in this gene and is associated with catecholaminergic polymorphic ventricular tachycardia 3 (CPVT3) (MIM#614021). (I) 0106 - This gene is associated with autosomal recessive disease. (I) 0115 - Variants in this gene are known to have variable expressivity. Patients with biallelic pathogenic TECRL variants present with variable cardiac arrhythmia phenotypes, including those typical of long QT syndrome and CPVT (PMID: 33367594). (I) 0201 - Variant is predicted to cause nonsense-mediated decay (NMD) and loss of protein (premature termination codon is located at least 54 nucleotides upstream of the final exon-exon junction). However, this variant is located within exon 1 and there is emerging evidence that variants in the first 100 nucleotides can escape NMD. Therefore, it is uncertain if this variant would trigger NMD and cause loss of protein. (SP) 0251 - This variant is heterozygous. (I) 0304 - Variant is present in gnomAD <0.01 for a recessive condition (v2, v3) (1 heterozygote, 0 homozygotes). (SP) 0705 - No comparable variants have previous evidence for pathogenicity. Although other variants predicted to cause NMD have been reported in this gene (PMID: 33367594, PMID: 32173957), it is uncertain if this variant would also result in NMD. (I) 0807 - This variant has no previous evidence of pathogenicity. (I) 0905 - No published segregation evidence has been identified for this variant. (I) 1007 - No published functional evidence has been identified for this variant. (I) 1208 - Inheritance information for this variant is not currently available in this individual. (I) Legend: (SP) - Supporting pathogenic, (I) - Information, (SB) - Supporting benign

Literature cited by the submitters: PubMed 32173957; PubMed 33367594.